The following is an entry in ClinVar:

ClinVar aggregate classification (germline): Pathogenic. Review status: criteria provided, single submitter (1 of 4 stars). 4 submissions from 4 submitters: Pathogenic (1). 3 of the submissions do not count toward it. Last evaluated 2020-10-23.

Conditions:
Cohen syndrome (COH1). Also called: PEPPER SYNDROME; Cutis verticis gyrata, retinitis pigmentosa, and sensorineural deafness. Identifiers: Orphanet 193, MedGen C0265223, MONDO:0008999, OMIM 216550.

Allele frequency attached by ClinVar (database versions not stated): gnomAD exomes below 0.00001.

Submissions (4):

Institute of Medical Genetics and Applied Genomics, University Hospital Tübingen
Classification: Pathogenic. Last evaluated: 2020-10-23. Review status: criteria provided, single submitter. Criteria: ACMG Guidelines, 2015. Collection method: clinical testing. Allele origin: germline. Inheritance: Unknown mechanism. Affected: yes.

Counsyl
Classification: Likely pathogenic for Cohen syndrome. Last evaluated: 2017-03-29. Review status: no assertion criteria provided. Collection method: clinical testing. Allele origin: unknown. Not counted in ClinVar's aggregate classification.

Juha Muilu Group; Institute for Molecular Medicine Finland (FIMM)
Classification: Likely pathogenic for Cohen syndrome. Review status: no assertion criteria provided. Collection method: not provided. Allele origin: unknown. Not counted in ClinVar's aggregate classification.
Comment: FinDis database variant: This variant was not found or characterized by our laboratory, data were collected from public sources: see reference
ClinVar note: Converted during submission from probable-pathogenic to Likely pathogenic.

SNPedia
Classification: Pathogenic. Review status: no assertion criteria provided. Collection method: not provided. Allele origin: germline. Not counted in ClinVar's aggregate classification.
ClinVar note: Converted during submission from pathogenic to Pathogenic.

Literature cited by the submitters: PubMed 16648375 (cited by Counsyl).

NM_152564.5(VPS13B):c.2934+1_2934+2del

Gene: VPS13B (vacuolar protein sorting 13 homolog B; plus strand). Cytogenetic location: 8q22.2.
Variant type: Deletion.
Coding change: c.2934+1_2934+2del on transcript NM_152564.5 (MANE Select); the canonical splice donor site of the intron after coding-DNA position 2934, 2 bases deleted (GT; older notation c.2934+1_2934+2delGT).
Molecular consequence: splice donor variant.
Genome position (GRCh38, 1-based): chr8:99,384,318-99,384,319, GT deleted. VCF-style (leftmost placement, unchanged base first): chr8-99384317-GGT-G. GRCh37 (hg19) VCF-style: chr8-100396545-GGT-G.
Other names: c.2934+1_2934+2delGT (NM_017890.4); c.2934+1_2934+2del (NM_017890.5).
Identifiers: ClinVar variation 56657 (VCV000056657.5), dbSNP rs180177358, ClinGen allele CA264059.